The following is an entry in ClinVar:

ClinVar aggregate classification (germline): Uncertain significance. Review status: criteria provided, multiple submitters, no conflicts (2 of 4 stars). 3 submissions from 3 submitters: Uncertain significance (3). Last evaluated 2025-11-21.

Conditions:
Sitosterolemia 2. Identifiers: MedGen C5231453, MONDO:0020748, OMIM 618666.
Cardiovascular phenotype. Identifiers: MedGen CN230736.

Allele frequency attached by ClinVar (database versions not stated): ExAC 0.00002; ESP Exome Variant Server 0.00015.
gnomAD v4.1: 93 of 1,614,048 alleles (0.0058%); highest among the groups gnomAD compares: Non-Finnish European, 0.0077%; no homozygotes.

Submissions (3):

Mayo Clinic Laboratories, Mayo Clinic
Classification: Uncertain significance. Last evaluated: 2025-11-21. Review status: criteria provided, single submitter. Criteria: ACMG Guidelines, 2015. Collection method: clinical testing. Allele origin: germline. Observed: 1 variant allele.
Comment: BP4, PM2_supporting

Ambry Genetics
Classification: Uncertain significance for Cardiovascular phenotype. Last evaluated: 2022-04-25. Review status: criteria provided, single submitter. Criteria: Ambry Variant Classification Scheme 2023. Collection method: clinical testing. Allele origin: germline.
Comment: The p.L348R variant (also known as c.1043T>G), located in coding exon 8 of the ABCG5 gene, results from a T to G substitution at nucleotide position 1043. The leucine at codon 348 is replaced by arginine, an amino acid with dissimilar properties. This amino acid position is conserved. In addition, this alteration is predicted to be tolerated by in silico analysis. Since supporting evidence is limited at this time, the clinical significance of this alteration remains unclear.

Revvity Omics, Revvity
Classification: Uncertain significance for Sitosterolemia 2. Last evaluated: 2021-04-30. Review status: criteria provided, single submitter. Criteria: ACMG Guidelines, 2015. Collection method: clinical testing. Allele origin: germline.

NM_022436.3(ABCG5):c.1043T>G (p.Leu348Arg)

Genes: ABCG5 (ATP binding cassette subfamily G member 5; minus strand), DYNC2LI1 (dynein cytoplasmic 2 light intermediate chain 1; plus strand). Cytogenetic location: 2p21.
Variant type: single nucleotide variant.
Coding change: c.1043T>G on transcript NM_022436.3 (MANE Select); coding-DNA position 1043, T replaced by G.
Protein change: p.Leu348Arg; replaces leucine 348 with arginine.
Molecular consequence: missense variant. On other transcripts: intron variant (2).
Genome position (GRCh38, 1-based): chr2:43,824,294, A>C on the plus strand (T>G on the coding strand, the complement: ABCG5 is on the minus strand). VCF-style: chr2-43824294-A-C. GRCh37 (hg19) VCF-style: chr2-44051433-A-C.
Other names: p.Leu348Arg; c.*16-3092A>C (NM_001348913.2, NM_001348912.2); short protein forms L348R.
Identifiers: ClinVar variation 1774823 (VCV001774823.5), dbSNP rs374824368, ClinGen allele CA1636422.